The following is an entry in ClinVar:

ClinVar aggregate classification (germline): Uncertain significance (1 of 4 stars; one submission).

Submission:

Ambry Genetics
Classification: Uncertain significance. Last evaluated: 2026-07-24. Review status: criteria provided, single submitter. Criteria: Ambry Variant Classification Scheme 2023. Collection method: clinical testing. Allele origin: germline.
Comment: The p.R1103K variant (also known as c.3308G>A), located in coding exon 2 of the MLH3 gene, results from a G to A substitution at nucleotide position 3308. The arginine at codon 1103 is replaced by lysine, an amino acid with highly similar properties. This amino acid position is conserved. In addition, the in silico prediction for this alteration is inconclusive. Based on the available evidence, the clinical significance of this variant remains unclear.

NM_001040108.2(MLH3):c.3308G>A (p.Arg1103Lys)

Gene: MLH3 (mutL homolog 3; minus strand). Cytogenetic location: 14q24.3.
Variant type: single nucleotide variant.
Coding change: c.3308G>A on transcript NM_001040108.2 (MANE Select); coding-DNA position 3308, G replaced by A.
Protein change: p.Arg1103Lys; replaces arginine 1103 with lysine.
Molecular consequence: missense variant.
Genome position (GRCh38, 1-based): chr14:75,042,450, C>T on the plus strand (G>A on the coding strand, the complement: MLH3 is on the minus strand). VCF-style: chr14-75042450-C-T. GRCh37 (hg19) VCF-style: chr14-75509153-C-T.
Other names: c.3308G>A, p.Arg1103Lys (NM_014381.3); short protein forms R1103K.
Identifiers: ClinVar variation 5024602 (VCV005024602.1).
Genomic context (GRCh38, chr14:75,042,450, plus strand): 5'-TGTCTCATCACAGTCCTCTCTGCTCGAGCTCTCGGAAGGAAAGGAAGAACAAGGTCGCTT[C>T]TAAAAGGTTGACACCTGTACTGAGACCCTAAATATAAGAAAGAAAAACCTAGAAATGTGA-3'
Protein context (NP_001035197.1, residues 1093-1113): NGSQYRCQPF[Arg1103Lys]SDLVLPFLPR